The following is an entry in ClinVar:

ClinVar aggregate classification (germline): Uncertain significance (1 of 4 stars; one submission).

Conditions:
Autosomal dominant Parkinson disease 8. Also called: Parkinson disease 8, susceptibility to; LRRK2-Related Parkinson Disease; Parkinson disease 8. Identifiers: Orphanet 411602, MedGen C1846862, MONDO:0011764, OMIM 607060.

Submission:

Labcorp Genetics (formerly Invitae), Labcorp
Classification: Uncertain significance for Autosomal dominant Parkinson disease 8. Last evaluated: 2024-02-18. Review status: criteria provided, single submitter. Criteria: Invitae Variant Classification Sherloc (09022015). Collection method: clinical testing. Allele origin: germline.
Comment: This sequence change replaces threonine, which is neutral and polar, with serine, which is neutral and polar, at codon 2267 of the LRRK2 protein (p.Thr2267Ser). This variant is not present in population databases (gnomAD no frequency). This variant has not been reported in the literature in individuals affected with LRRK2-related conditions. Advanced modeling of protein sequence and biophysical properties (such as structural, functional, and spatial information, amino acid conservation, physicochemical variation, residue mobility, and thermodynamic stability) has been performed at Invitae for this missense variant, however the output from this modeling did not meet the statistical confidence thresholds required to predict the impact of this variant on LRRK2 protein function. In summary, the available evidence is currently insufficient to determine the role of this variant in disease. Therefore, it has been classified as a Variant of Uncertain Significance.

NM_198578.4(LRRK2):c.6799A>T (p.Thr2267Ser)

Gene: LRRK2 (leucine rich repeat kinase 2; plus strand). Cytogenetic location: 12q12.
Variant type: single nucleotide variant.
Coding change: c.6799A>T on transcript NM_198578.4 (MANE Select); coding-DNA position 6799, A replaced by T.
Protein change: p.Thr2267Ser; replaces threonine 2267 with serine.
Molecular consequence: missense variant.
Genome position (GRCh38, 1-based): chr12:40,356,143, A>T. VCF-style: chr12-40356143-A-T. GRCh37 (hg19) VCF-style: chr12-40749945-A-T.
Other names: short protein forms T2267S.
Identifiers: ClinVar variation 3626471 (VCV003626471.2).
Genomic context (GRCh38, chr12:40,356,143, plus strand): 5'-TTTTGTAACAATTTCAACATTTTTCCTTTTAGCAAACAAAAAAATTTTCTTTTGGTTGGA[A>T]CCGCTGATGGCAAGTTAGCAATTTTTGAAGATAAGACTGTTAAGGTAAATGTTGAATGCA-3'
Protein context (NP_940980.4, residues 2257-2277): SKQKNFLLVG[Thr2267Ser]ADGKLAIFED